The following is an entry in ClinVar:

NM_033100.4(CDHR1):c.1516G>T (p.Glu506Ter)

Gene: CDHR1 (cadherin related family member 1; plus strand). Cytogenetic location: 10q23.1.
Variant type: single nucleotide variant.
Coding change: c.1516G>T on transcript NM_033100.4 (MANE Select); coding-DNA position 1516, G replaced by T.
Protein change: p.Glu506Ter; replaces glutamic acid 506 with a stop codon.
Molecular consequence: nonsense.
Genome position (GRCh38, 1-based): chr10:84,211,678, G>T. VCF-style: chr10-84211678-G-T. GRCh37 (hg19) VCF-style: chr10-85971434-G-T.
Other names: c.1516G>T, p.Glu506Ter (NM_001171971.3); short protein forms E506*.
Identifiers: ClinVar variation 1371750 (VCV001371750.7), dbSNP rs547812313, ClinGen allele CA377377204.

ClinVar aggregate classification (germline): Pathogenic. Review status: criteria provided, multiple submitters, no conflicts (2 of 4 stars). 2 submissions from 2 submitters: Pathogenic (2). Last evaluated 2023-07-28.

Conditions:
CDHR1-related disorders.

gnomAD v4.1: 1 of 1,614,054 alleles (0.000062%); highest among the groups gnomAD compares: Admixed American, 0.0017%; no homozygotes.

Submissions (2):

Blueprint Genetics
Classification: Pathogenic for CDHR1-related disorders. Last evaluated: 2023-07-28. Review status: criteria provided, single submitter. Criteria: ACMG Guidelines, 2015. Collection method: clinical testing. Allele origin: germline. Affected: yes. Observed: 4 variant alleles.

Labcorp Genetics (formerly Invitae), Labcorp
Classification: Pathogenic. Last evaluated: 2022-07-06. Review status: criteria provided, single submitter. Criteria: Invitae Variant Classification Sherloc (09022015). Collection method: clinical testing. Allele origin: germline.
Comment: This variant has not been reported in the literature in individuals affected with CDHR1-related conditions. For these reasons, this variant has been classified as Pathogenic. ClinVar contains an entry for this variant (Variation ID: 1371750). This variant is not present in population databases (gnomAD no frequency). This sequence change creates a premature translational stop signal (p.Glu506*) in the CDHR1 gene. It is expected to result in an absent or disrupted protein product. Loss-of-function variants in CDHR1 are known to be pathogenic (PMID: 23044944, 23591405, 26103963, 26261414).

Literature cited by the submitters: PubMed 23044944 (cited by Labcorp Genetics (formerly Invitae), Labcorp); PubMed 23591405 (cited by Labcorp Genetics (formerly Invitae), Labcorp); PubMed 26103963 (cited by Labcorp Genetics (formerly Invitae), Labcorp); PubMed 26261414 (cited by Labcorp Genetics (formerly Invitae), Labcorp).